The following is an entry in ClinVar:

NM_005908.4(MANBA):c.1025A>G (p.Tyr342Cys)

Gene: MANBA (mannosidase beta; minus strand). Cytogenetic location: 4q24.
Variant type: single nucleotide variant.
Coding change: c.1025A>G on transcript NM_005908.4 (MANE Select); coding-DNA position 1025, A replaced by G.
Protein change: p.Tyr342Cys; replaces tyrosine 342 with cysteine.
Molecular consequence: missense variant.
Genome position (GRCh38, 1-based): chr4:102,674,006, T>C on the plus strand (A>G on the coding strand, the complement: MANBA is on the minus strand). VCF-style: chr4-102674006-T-C. GRCh37 (hg19) VCF-style: chr4-103595163-T-C.
Other names: short protein forms Y342C.
Identifiers: ClinVar variation 995183 (VCV000995183.4), dbSNP rs771658981, ClinGen allele CA3027034.

ClinVar aggregate classification (germline): Uncertain significance. Review status: criteria provided, multiple submitters, no conflicts (2 of 4 stars). 3 submissions from 3 submitters: Uncertain significance (3). Last evaluated 2025-11-26.

Conditions:
Beta-D-mannosidosis (MANSB). Also called: MANNOSIDOSIS, BETA A, LYSOSOMAL; BETA-MANNOSIDASE DEFICIENCY; LYSOSOMAL BETA-MANNOSIDASE DEFICIENCY; Beta-Mannosidosis. Identifiers: Orphanet 118, MedGen C4048196, MONDO:0009562, OMIM 248510.
Inborn genetic diseases. Identifiers: MedGen C0950123, MeSH D030342.

Allele frequency attached by ClinVar (database versions not stated): gnomAD exomes below 0.00001 and 0.00001; TOPMed 0.00006; gnomAD 0.00009 and 0.00010; ExAC 0.00001.
gnomAD v4.1: 19 of 1,607,014 alleles (0.0012%); highest among the groups gnomAD compares: African/African-American, 0.02%; no homozygotes.

Submissions (3):

Ambry Genetics
Classification: Uncertain significance for Inborn genetic diseases. Last evaluated: 2025-11-26. Review status: criteria provided, single submitter. Criteria: Ambry Variant Classification Scheme 2023. Collection method: clinical testing. Allele origin: germline.

Labcorp Genetics (formerly Invitae), Labcorp
Classification: Uncertain significance for Beta-D-mannosidosis. Last evaluated: 2022-06-20. Review status: criteria provided, single submitter. Criteria: Invitae Variant Classification Sherloc (09022015). Collection method: clinical testing. Allele origin: germline.
Comment: This sequence change replaces tyrosine, which is neutral and polar, with cysteine, which is neutral and slightly polar, at codon 342 of the MANBA protein (p.Tyr342Cys). This variant is present in population databases (rs771658981, gnomAD 0.02%). This variant has not been reported in the literature in individuals affected with MANBA-related conditions. ClinVar contains an entry for this variant (Variation ID: 995183). Algorithms developed to predict the effect of missense changes on protein structure and function (SIFT, PolyPhen-2, Align-GVGD) all suggest that this variant is likely to be disruptive. In summary, the available evidence is currently insufficient to determine the role of this variant in disease. Therefore, it has been classified as a Variant of Uncertain Significance.

Athena Diagnostics
Classification: Uncertain significance. Last evaluated: 2020-07-10. Review status: criteria provided, single submitter. Criteria: Athena Diagnostics Criteria. Collection method: clinical testing. Allele origin: unknown.